The following is an entry in ClinVar:

NM_001368809.2(AMPD2):c.488G>C (p.Arg163Pro)

Gene: AMPD2 (adenosine monophosphate deaminase 2; plus strand). Cytogenetic location: 1p13.3.
Variant type: single nucleotide variant.
Coding change: c.488G>C on transcript NM_001368809.2 (MANE Select); coding-DNA position 488, G replaced by C.
Protein change: p.Arg163Pro; replaces arginine 163 with proline.
Molecular consequence: missense variant.
Genome position (GRCh38, 1-based): chr1:109,626,384, G>C. VCF-style: chr1-109626384-G-C. GRCh37 (hg19) VCF-style: chr1-110169006-G-C.
Other names: p.Arg217Pro; c.650G>C (NM_001257360.1); c.296G>C, p.Arg99Pro (NM_001257361.2); c.425G>C, p.Arg142Pro (NM_001308170.1); c.488G>C, p.Arg163Pro (NM_004037.9); c.407G>C, p.Arg136Pro (NM_139156.4); short protein forms R136P, R142P, R99P, R163P.
Identifiers: ClinVar variation 424663 (VCV000424663.5), dbSNP rs138175138, ClinGen allele CA992815.

ClinVar aggregate classification (germline): Uncertain significance. Review status: criteria provided, multiple submitters, no conflicts (2 of 4 stars). 5 submissions from 4 submitters: Uncertain significance (5). Last evaluated 2023-10-12.

Conditions:
Pontocerebellar hypoplasia type 9. Identifiers: Orphanet 369920, MedGen C4014354, MONDO:0014351, OMIM 615809.
Hereditary spastic paraplegia. Also called: Familial spastic paraparesis. Identifiers: Orphanet 685, MedGen C0037773, MONDO:0019064. Disease mechanism: loss of function.
Hereditary spastic paraplegia 63. Also called: Spastic paraplegia 63, autosomal recessive. Identifiers: Orphanet 401805, MedGen C3810295, MONDO:0014305, OMIM 615686.

Submissions (5):

Mayo Clinic Laboratories, Mayo Clinic
Classification: Uncertain significance. Last evaluated: 2023-10-12. Review status: criteria provided, single submitter. Criteria: ACMG Guidelines, 2015. Collection method: clinical testing. Allele origin: germline. Observed: 1 variant allele.
Comment: BP4

Genome-Nilou Lab
Classification: Uncertain significance for Hereditary spastic paraplegia 63. Last evaluated: 2023-04-11. Review status: criteria provided, single submitter. Criteria: ACMG Guidelines, 2015. Collection method: clinical testing. Allele origin: germline. Affected: no.

Genome-Nilou Lab
Classification: Uncertain significance for Pontocerebellar hypoplasia type 9. Last evaluated: 2023-04-11. Review status: criteria provided, single submitter. Criteria: ACMG Guidelines, 2015. Collection method: clinical testing. Allele origin: germline. Affected: no.

Labcorp Genetics (formerly Invitae), Labcorp
Classification: Uncertain significance for Pontocerebellar hypoplasia type 9; Hereditary spastic paraplegia 63. Last evaluated: 2022-08-20. Review status: criteria provided, single submitter. Criteria: Invitae Variant Classification Sherloc (09022015). Collection method: clinical testing. Allele origin: germline.
Comment: This sequence change replaces arginine, which is basic and polar, with proline, which is neutral and non-polar, at codon 217 of the AMPD2 protein (p.Arg217Pro). This variant is present in population databases (rs138175138, gnomAD 0.02%). This missense change has been observed in individual(s) with hereditary spastic paraplegia (PMID: 28832565). ClinVar contains an entry for this variant (Variation ID: 424663). Algorithms developed to predict the effect of missense changes on protein structure and function (SIFT, PolyPhen-2, Align-GVGD) all suggest that this variant is likely to be tolerated. In summary, the available evidence is currently insufficient to determine the role of this variant in disease. Therefore, it has been classified as a Variant of Uncertain Significance.

Unit for Genetic & Epidemiological Research on Neurological Disorders, Instituto de Investigação e Inovação em Saúde
Classification: Uncertain significance for Hereditary spastic paraplegia. Last evaluated: 2017-03-07. Review status: criteria provided, single submitter. Criteria: Morais et al. (Eur J Hum Genet. 2017). Collection method: research. Allele origin: unknown. Affected: yes. Observed: 2 variant alleles.

Literature cited by the submitters: PubMed 28832565 (cited by Labcorp Genetics (formerly Invitae), Labcorp).